The following is an entry in ClinVar:

ClinVar aggregate classification (germline): Uncertain significance. Review status: criteria provided, single submitter (1 of 4 stars). 2 submissions from 2 submitters: Uncertain significance (1). 1 of the submissions does not count toward it. Last evaluated 2024-06-13.

Conditions:
SIX5-related disorder. Also called: SIX5-related condition.
Branchiootorenal syndrome 2 (BOR2). Identifiers: Orphanet 107, MedGen C1970479, MONDO:0012575, OMIM 610896.

gnomAD v4.1: 6 of 1,588,852 alleles (0.00038%); highest among the groups gnomAD compares: Admixed American, 0.0053%; no homozygotes.

Submissions (2):

Fulgent Genetics
Classification: Uncertain significance for Branchiootorenal syndrome 2. Last evaluated: 2024-06-13. Review status: criteria provided, single submitter. Criteria: ACMG Guidelines, 2015. Collection method: clinical testing. Allele origin: germline.

PreventionGenetics, part of Exact Sciences
Classification: Uncertain significance for SIX5-related condition. Last evaluated: 2024-01-18. Review status: no assertion criteria provided. Collection method: clinical testing. Allele origin: germline. Not counted in ClinVar's aggregate classification.
Comment: The SIX5 c.1564G>T variant is predicted to result in the amino acid substitution p.Gly522Trp. To our knowledge, this variant has not been reported in the literature. This variant is reported in 0.0089% of alleles in individuals of African descent in gnomAD. At this time, the clinical significance of this variant is uncertain due to the absence of conclusive functional and genetic evidence.

NM_175875.5(SIX5):c.1564G>T (p.Gly522Trp)

Gene: SIX5 (SIX homeobox 5; minus strand). Cytogenetic location: 19q13.32.
Variant type: single nucleotide variant.
Coding change: c.1564G>T on transcript NM_175875.5 (MANE Select); coding-DNA position 1564, G replaced by T.
Protein change: p.Gly522Trp; replaces glycine 522 with tryptophan.
Molecular consequence: missense variant.
Genome position (GRCh38, 1-based): chr19:45,766,395, C>A on the plus strand (G>T on the coding strand, the complement: SIX5 is on the minus strand). VCF-style: chr19-45766395-C-A. GRCh37 (hg19) VCF-style: chr19-46269653-C-A.
Other names: short protein forms G522W.
Identifiers: ClinVar variation 3031838 (VCV003031838.3), dbSNP rs1160508697, ClinGen allele CA406417388.